The following is an entry in ClinVar:

NM_006206.6(PDGFRA):c.1679G>C (p.Arg560Thr)

Gene: PDGFRA (platelet derived growth factor receptor alpha; plus strand). Cytogenetic location: 4q12.
Variant type: single nucleotide variant.
Coding change: c.1679G>C on transcript NM_006206.6 (MANE Select); coding-DNA position 1679, G replaced by C.
Protein change: p.Arg560Thr; replaces arginine 560 with threonine.
Molecular consequence: missense variant.
Genome position (GRCh38, 1-based): chr4:54,274,866, G>C. VCF-style: chr4-54274866-G-C. GRCh37 (hg19) VCF-style: chr4-55141033-G-C.
Other names: c.1679G>C, p.Arg560Thr (NM_001347827.2, NM_001347829.2); c.1754G>C, p.Arg585Thr (NM_001347828.2); c.1718G>C, p.Arg573Thr (NM_001347830.2); short protein forms R573T, R585T, R560T.
Identifiers: ClinVar variation 2453853 (VCV002453853.2), dbSNP rs1723631222, ClinGen allele CA356893071.

ClinVar aggregate classification (germline): Uncertain significance (1 of 4 stars; one submission).

Conditions:
Hereditary cancer-predisposing syndrome. Also called: Neoplastic Syndromes, Hereditary; Hereditary neoplastic syndrome; Tumor predisposition; Hereditary Cancer Syndrome. Identifiers: Orphanet 140162, MedGen C0027672, MeSH D009386, MONDO:0015356.

Submission:

Ambry Genetics
Classification: Uncertain significance for Hereditary cancer-predisposing syndrome. Last evaluated: 2022-11-24. Review status: criteria provided, single submitter. Criteria: Ambry Variant Classification Scheme 2023. Collection method: clinical testing. Allele origin: germline.
Comment: The p.R560T variant (also known as c.1679G>C), located in coding exon 11 of the PDGFRA gene, results from a G to C substitution at nucleotide position 1679. The arginine at codon 560 is replaced by threonine, an amino acid with similar properties. This amino acid position is conserved. In addition, this alteration is predicted to be deleterious by in silico analysis. Since supporting evidence is limited at this time, the clinical significance of this alteration remains unclear.